The following is an entry in ClinVar:

NM_005677.4(COLQ):c.61G>A (p.Val21Met)

Gene: COLQ (collagen like tail subunit of asymmetric acetylcholinesterase; minus strand). Cytogenetic location: 3p25.1.
Variant type: single nucleotide variant.
Coding change: c.61G>A on transcript NM_005677.4 (MANE Select); coding-DNA position 61, G replaced by A.
Protein change: p.Val21Met; replaces valine 21 with methionine.
Molecular consequence: missense variant.
Genome position (GRCh38, 1-based): chr3:15,521,565, C>T on the plus strand (G>A on the coding strand, the complement: COLQ is on the minus strand). VCF-style: chr3-15521565-C-T. GRCh37 (hg19) VCF-style: chr3-15563072-C-T.
Other names: c.61G>A, p.Val21Met (NM_080539.4); short protein forms V21M.
Identifiers: ClinVar variation 648323 (VCV000648323.10), dbSNP rs142115188, ClinGen allele CA2276394.

ClinVar aggregate classification (germline): Uncertain significance. Review status: criteria provided, multiple submitters, no conflicts (2 of 4 stars). 2 submissions from 2 submitters: Uncertain significance (2). Last evaluated 2022-07-06.

Conditions:
Congenital myasthenic syndrome 5. Identifiers: Orphanet 590, MedGen C1864233, MONDO:0011281, OMIM 603034.

Allele frequency attached by ClinVar (database versions not stated): ExAC 0.00008; ESP Exome Variant Server 0.00008; gnomAD 0.00008 and 0.00009; gnomAD exomes 0.00008 and 0.00020; TOPMed 0.00009; 1000 Genomes Project 30x 0.00031; 1000 Genomes Project 0.00040.
gnomAD v4.1: 298 of 1,614,098 alleles (0.018%); highest among the groups gnomAD compares: Non-Finnish European, 0.023%; no homozygotes.

Submissions (2):

Labcorp Genetics (formerly Invitae), Labcorp
Classification: Uncertain significance for Congenital myasthenic syndrome 5. Last evaluated: 2022-07-06. Review status: criteria provided, single submitter. Criteria: Invitae Variant Classification Sherloc (09022015). Collection method: clinical testing. Allele origin: germline.
Comment: This sequence change replaces valine, which is neutral and non-polar, with methionine, which is neutral and non-polar, at codon 21 of the COLQ protein (p.Val21Met). This variant is present in population databases (rs142115188, gnomAD 0.01%). This variant has not been reported in the literature in individuals affected with COLQ-related conditions. ClinVar contains an entry for this variant (Variation ID: 648323). Algorithms developed to predict the effect of missense changes on protein structure and function output the following: SIFT: "Tolerated"; PolyPhen-2: "Benign"; Align-GVGD: "Class C0". The methionine amino acid residue is found in multiple mammalian species, which suggests that this missense change does not adversely affect protein function. In summary, the available evidence is currently insufficient to determine the role of this variant in disease. Therefore, it has been classified as a Variant of Uncertain Significance.

Revvity Omics, Revvity
Classification: Uncertain significance for Congenital myasthenic syndrome 5. Last evaluated: 2022-07-05. Review status: criteria provided, single submitter. Criteria: ACMG Guidelines, 2015. Collection method: clinical testing. Allele origin: germline.